The following is an entry in ClinVar:

ClinVar aggregate classification (germline): Uncertain significance (1 of 4 stars; one submission).

gnomAD v4.1: 1 of 1,614,204 alleles (0.000062%); no homozygotes.

Submission:

Labcorp Genetics (formerly Invitae), Labcorp
Classification: Uncertain significance. Last evaluated: 2022-10-23. Review status: criteria provided, single submitter. Criteria: Invitae Variant Classification Sherloc (09022015). Collection method: clinical testing. Allele origin: germline.
Comment: This sequence change replaces methionine, which is neutral and non-polar, with valine, which is neutral and non-polar, at codon 453 of the RFWD3 protein (p.Met453Val). This variant is not present in population databases (gnomAD no frequency). This variant has not been reported in the literature in individuals affected with RFWD3-related conditions. Algorithms developed to predict the effect of missense changes on protein structure and function are either unavailable or do not agree on the potential impact of this missense change (SIFT: "Deleterious"; PolyPhen-2: "Possibly Damaging"; Align-GVGD: "Class C0"). In summary, the available evidence is currently insufficient to determine the role of this variant in disease. Therefore, it has been classified as a Variant of Uncertain Significance.

NM_018124.4(RFWD3):c.1357A>G (p.Met453Val)

Gene: RFWD3 (ring finger and WD repeat domain 3; minus strand). Cytogenetic location: 16q23.1.
Variant type: single nucleotide variant.
Coding change: c.1357A>G on transcript NM_018124.4 (MANE Select); coding-DNA position 1357, A replaced by G.
Protein change: p.Met453Val; replaces methionine 453 with valine.
Molecular consequence: missense variant.
Genome position (GRCh38, 1-based): chr16:74,636,415, T>C on the plus strand (A>G on the coding strand, the complement: RFWD3 is on the minus strand). VCF-style: chr16-74636415-T-C. GRCh37 (hg19) VCF-style: chr16-74670313-T-C.
Other names: c.1357A>G, p.Met453Val (NM_001370534.1, NM_001370535.1, NM_001370536.1); c.523A>G, p.Met175Val (NM_001370537.1, NM_001370539.1, NM_001370540.1 and 3 more transcripts); short protein forms M175V, M453V.
Identifiers: ClinVar variation 2809488 (VCV002809488.3), dbSNP rs2543993004, ClinGen allele CA396761612.
Genomic context (GRCh38, chr16:74,636,415, plus strand): 5'-AAGAGGCCTGAGGAGAAGGCTGTGATATCACCAGGCAGCTCAGAGCATCACAGTATGCCA[T>C]GATCCGGCAGTTTCCTGCCTGAGATACTGTGAAGGTCTTTTGGAAGTGGTACTTGTGCTT-3'
Protein context (NP_060594.3, residues 443-463): TVSQAGNCRI[Met453Val]AYCDALSCLV